The following is an entry in ClinVar:

ClinVar aggregate classification (germline): Uncertain significance (1 of 4 stars; one submission).

Conditions:
Oculofaciocardiodental syndrome (MCOPS2). Identifiers: Orphanet 2712, MedGen C1846265, MONDO:0010261, OMIM 300166.

Submission:

Labcorp Genetics (formerly Invitae), Labcorp
Classification: Uncertain significance for Oculofaciocardiodental syndrome. Last evaluated: 2023-03-24. Review status: criteria provided, single submitter. Criteria: Invitae Variant Classification Sherloc (09022015). Collection method: clinical testing. Allele origin: germline.
Comment: In summary, the available evidence is currently insufficient to determine the role of this variant in disease. Therefore, it has been classified as a Variant of Uncertain Significance. Experimental studies and prediction algorithms are not available or were not evaluated, and the functional significance of this variant is currently unknown. This variant has not been reported in the literature in individuals affected with BCOR-related conditions. This variant is not present in population databases (gnomAD no frequency). This variant, c.3546_3554del, results in the deletion of 3 amino acid(s) of the BCOR protein (p.Arg1183_Glu1185del), but otherwise preserves the integrity of the reading frame.

NM_001123385.2(BCOR):c.3648_3656del (p.Arg1217_Glu1219del)

Gene: BCOR (BCL6 corepressor; minus strand). Cytogenetic location: Xp11.4.
Variant type: Deletion.
Coding change: c.3648_3656del on transcript NM_001123385.2 (MANE Select); coding-DNA positions 3648 to 3656, 9 bases deleted (ACGATGGGA; older notation c.3648_3656delACGATGGGA).
Protein change: p.Arg1217_Glu1219del.
Molecular consequence: inframe deletion. On other transcripts: inframe indel (1).
Genome position (GRCh38, 1-based): chrX:40,063,799-40,063,807, TCCCATCGT deleted on the plus strand (ACGATGGGA on the coding strand, the reverse complement: BCOR is on the minus strand); deleting any 9 consecutive bases within chrX:40,063,799-40,063,809 gives the same sequence; the c. name uses the placement nearest the transcript's 3' end. VCF-style (leftmost placement, unchanged base first): chrX-40063798-CTCCCATCGT-C. GRCh37 (hg19) VCF-style: chrX-39923051-CTCCCATCGT-C.
Other names: c.3544_3552delGAACGATGG, p.Arg1183_Glu1185del (NM_001123383.2); c.3492_3500del, p.Arg1165_Glu1167del (NM_001123384.2); c.3546_3554del, p.Arg1183_Glu1185del (NM_017745.6).
Identifiers: ClinVar variation 2849117 (VCV002849117.3), dbSNP rs2519656989, ClinGen allele CA2739273433.